The following is an entry in ClinVar:

ClinVar aggregate classification (germline): Likely pathogenic. Review status: criteria provided, multiple submitters, no conflicts (2 of 4 stars). 2 submissions from 2 submitters: Likely pathogenic (2). Last evaluated 2025-08-19.

Conditions:
Hematuria, benign familial, 2 (BFH2). Identifiers: MedGen C5830421, MONDO:0958186, OMIM 620320.
Alport syndrome 3b, autosomal recessive. Identifiers: MedGen C5882699, MONDO:0957811, OMIM 620536.
Autosomal dominant Alport syndrome (ATS3A). Also called: ALPORT SYNDROME 3A, AUTOSOMAL DOMINANT; Alport syndrome dominant type; Renal failure and sensorineural hearing loss. Identifiers: Orphanet 63, Orphanet 88918, MedGen C5882663, MONDO:0007086, OMIM 104200.
COL4A3-related disorder. Also called: COL4A3-related condition; COL4A3-Related Disorders.

Submissions (2):

PreventionGenetics, part of Exact Sciences
Classification: Likely pathogenic for COL4A3-related condition. Last evaluated: 2025-08-19. Review status: criteria provided, single submitter. Criteria: ACMG Guidelines, 2015. Collection method: clinical testing. Allele origin: germline.
Comment: The COL4A3 c.2392G>A variant is predicted to result in the amino acid substitution p.Gly798Arg. The p.Gly798 residue is located in the conserved triple helical domain, where substitutions of the glycine are usually pathogenic (UniProt residues 43-1438, Hudson et al. 1993. PubMed ID: 8253711; Nozu et al. 2001. [Update 2025]. PubMed ID: 20301386). This variant has not been reported in a large population database (gnomAD), indicating this variant is rare. This variant is interpreted as likely pathogenic.

Fulgent Genetics
Classification: Likely pathogenic for Autosomal dominant Alport syndrome; Hematuria, benign familial, 2; Alport syndrome 3b, autosomal recessive. Last evaluated: 2024-06-12. Review status: criteria provided, single submitter. Criteria: ACMG Guidelines, 2015. Collection method: clinical testing. Allele origin: germline.

NM_000091.5(COL4A3):c.2392G>A (p.Gly798Arg)

Genes: COL4A3 (collagen type IV alpha 3 chain; plus strand), MFF-DT (MFF divergent transcript; minus strand). Cytogenetic location: 2q36.3.
Variant type: single nucleotide variant.
Coding change: c.2392G>A on transcript NM_000091.5 (MANE Select); coding-DNA position 2392, G replaced by A.
Protein change: p.Gly798Arg; replaces glycine 798 with arginine.
Molecular consequence: missense variant.
Genome position (GRCh38, 1-based): chr2:227,280,910, G>A. VCF-style: chr2-227280910-G-A. GRCh37 (hg19) VCF-style: chr2-228145626-G-A.
Other names: short protein forms G798R.
Identifiers: ClinVar variation 3586056 (VCV003586056.2).